The following is an entry in ClinVar:

NM_144670.6(A2ML1):c.1476+8C>G

Gene: A2ML1 (alpha-2-macroglobulin like 1; plus strand). Cytogenetic location: 12p13.31.
Variant type: single nucleotide variant.
Coding change: c.1476+8C>G on transcript NM_144670.6 (MANE Select); 8 bases into the intron after coding-DNA position 1476, C replaced by G.
Molecular consequence: intron variant.
Genome position (GRCh38, 1-based): chr12:8,843,369, C>G. VCF-style: chr12-8843369-C-G. GRCh37 (hg19) VCF-style: chr12-8995965-C-G.
Identifiers: ClinVar variation 413816 (VCV000413816.13), dbSNP rs75676135, ClinGen allele CA6435665.

ClinVar aggregate classification (germline): Benign. Review status: criteria provided, multiple submitters, no conflicts (2 of 4 stars). 2 submissions from 2 submitters: Benign (2). Last evaluated 2026-01-19.

Allele frequency attached by ClinVar (database versions not stated): TOPMed 0.00091; 1000 Genomes Project 30x 0.00234; 1000 Genomes Project 0.00240.
gnomAD v4.1: 665 of 1,611,082 alleles (0.041%); highest among the groups gnomAD compares: East Asian, 1.2%; 5 homozygotes.

Submissions (2):

Labcorp Genetics (formerly Invitae), Labcorp
Classification: Benign. Last evaluated: 2026-01-19. Review status: criteria provided, single submitter. Criteria: Invitae Variant Classification Sherloc (09022015). Collection method: clinical testing. Allele origin: germline.

Women's Health and Genetics/Laboratory Corporation of America, LabCorp
Classification: Benign. Last evaluated: 2020-02-13. Review status: criteria provided, single submitter. Criteria: LabCorp Variant Classification Summary - May 2015. Collection method: clinical testing. Allele origin: germline.
Comment: Variant summary: A2ML1 c.1476+8C>G alters a non-conserved nucleotide located close to a canonical splice site and therefore could affect mRNA splicing, leading to a significantly altered protein sequence. 4/4 computational tools predict no significant impact on normal splicing. However, these predictions have yet to be confirmed by functional studies. The variant allele was found at a frequency of 0.00077 in 248584 control chromosomes, predominantly at a frequency of 0.0099 within the East Asian subpopulation in the gnomAD database. The observed variant frequency within East Asian control individuals in the gnomAD database is approximately 2475 fold of the estimated maximal expected allele frequency for a pathogenic variant in A2ML1 causing Noonan Syndrome phenotype (4e-06), strongly suggesting that the variant is a benign polymorphism found primarily in populations of East Asian origin. To our knowledge, no occurrence of c.1476+8C>G in individuals affected with Noonan Syndrome and no experimental evidence demonstrating its impact on protein function have been reported. A ClinVar submitter (evaluation after 2014) cites the variant as benign. Based on the evidence outlined above, the variant was classified as benign.